The following is an entry in ClinVar:

NM_001365276.2(TNXB):c.8323G>A (p.Gly2775Arg)

Gene: TNXB (tenascin XB; minus strand). Cytogenetic location: 6p21.33.
Variant type: single nucleotide variant.
Coding change: c.8323G>A on transcript NM_001365276.2 (MANE Select); coding-DNA position 8323, G replaced by A.
Protein change: p.Gly2775Arg; replaces glycine 2775 with arginine.
Molecular consequence: missense variant.
Genome position (GRCh38, 1-based): chr6:32,055,995, C>T on the plus strand (G>A on the coding strand, the complement: TNXB is on the minus strand). VCF-style: chr6-32055995-C-T. GRCh37 (hg19) VCF-style: chr6-32023772-C-T.
Other names: c.8323G>A, p.Gly2775Arg (NM_019105.8); short protein forms G2775R.
Identifiers: ClinVar variation 1329825 (VCV001329825.5), dbSNP rs770521692, ClinGen allele CA3733886.

ClinVar aggregate classification (germline): Uncertain significance. Review status: criteria provided, multiple submitters, no conflicts (2 of 4 stars). 2 submissions from 2 submitters: Uncertain significance (2). Last evaluated 2025-01-28.

Conditions:
Cardiovascular phenotype. Identifiers: MedGen CN230736.

Allele frequency attached by ClinVar (database versions not stated): gnomAD exomes 0.00001; ExAC 0.00001.

Submissions (2):

Ambry Genetics
Classification: Uncertain significance for Cardiovascular phenotype. Last evaluated: 2025-01-28. Review status: criteria provided, single submitter. Criteria: Ambry Variant Classification Scheme 2023. Collection method: clinical testing. Allele origin: germline.
Comment: The p.G2775R variant (also known as c.8323G>A), located in coding exon 23 of the TNXB gene, results from a G to A substitution at nucleotide position 8323. The glycine at codon 2775 is replaced by arginine, an amino acid with dissimilar properties. This amino acid position is conserved. In addition, this alteration is predicted to be tolerated by in silico analysis. Since supporting evidence is limited at this time, the clinical significance of this alteration remains unclear.

GeneDx
Classification: Uncertain significance. Last evaluated: 2021-06-24. Review status: criteria provided, single submitter. Criteria: GeneDx Variant Classification Process June 2021. Collection method: clinical testing. Allele origin: germline. Affected: yes.
Comment: Has not been previously published as pathogenic or benign to our knowledge; In silico analysis supports that this missense variant has a deleterious effect on protein structure/function; This variant is associated with the following publications: (PMID: 27535533)